The following is an entry in ClinVar:

ClinVar aggregate classification (germline): Uncertain significance (1 of 4 stars; one submission).

gnomAD v4.1: 1 of 1,614,210 alleles (0.000062%); highest among the groups gnomAD compares: African/African-American, 0.0013%; no homozygotes.

Submission:

Labcorp Genetics (formerly Invitae), Labcorp
Classification: Uncertain significance. Last evaluated: 2022-10-07. Review status: criteria provided, single submitter. Criteria: Invitae Variant Classification Sherloc (09022015). Collection method: clinical testing. Allele origin: germline.
Comment: In summary, the available evidence is currently insufficient to determine the role of this variant in disease. Therefore, it has been classified as a Variant of Uncertain Significance. This sequence change replaces valine, which is neutral and non-polar, with leucine, which is neutral and non-polar, at codon 1250 of the MTOR protein (p.Val1250Leu). This variant is not present in population databases (gnomAD no frequency). This variant has not been reported in the literature in individuals affected with MTOR-related conditions. Advanced modeling of protein sequence and biophysical properties (such as structural, functional, and spatial information, amino acid conservation, physicochemical variation, residue mobility, and thermodynamic stability) performed at Invitae indicates that this missense variant is not expected to disrupt MTOR protein function.

NM_004958.4(MTOR):c.3748G>T (p.Val1250Leu)

Gene: MTOR (mechanistic target of rapamycin kinase; minus strand). Cytogenetic location: 1p36.22.
Variant type: single nucleotide variant.
Coding change: c.3748G>T on transcript NM_004958.4 (MANE Select); coding-DNA position 3748, G replaced by T.
Protein change: p.Val1250Leu; replaces valine 1250 with leucine.
Molecular consequence: missense variant.
Genome position (GRCh38, 1-based): chr1:11,209,365, C>A on the plus strand (G>T on the coding strand, the complement: MTOR is on the minus strand). VCF-style: chr1-11209365-C-A. GRCh37 (hg19) VCF-style: chr1-11269422-C-A.
Other names: c.3748G>T, p.Val1250Leu (NM_001386500.1); c.2500G>T, p.Val834Leu (NM_001386501.1); short protein forms V1250L, V834L.
Identifiers: ClinVar variation 1721211 (VCV001721211.5), dbSNP rs1261199043, ClinGen allele CA338370500.